The following is an entry in ClinVar:

ClinVar aggregate classification (germline): Uncertain significance (1 of 4 stars; one submission).

Submission:

Labcorp Genetics (formerly Invitae), Labcorp
Classification: Uncertain significance. Last evaluated: 2022-01-06. Review status: criteria provided, single submitter. Criteria: Invitae Variant Classification Sherloc (09022015). Collection method: clinical testing. Allele origin: germline.
Comment: In summary, the available evidence is currently insufficient to determine the role of this variant in disease. Therefore, it has been classified as a Variant of Uncertain Significance. Algorithms developed to predict the effect of missense changes on protein structure and function are either unavailable or do not agree on the potential impact of this missense change (SIFT: "Not Available"; PolyPhen-2: "Benign"; Align-GVGD: "Not Available"). This variant has not been reported in the literature in individuals affected with UNC119-related conditions. This variant is not present in population databases (gnomAD no frequency). This sequence change replaces proline with serine at codon 198 of the UNC119 protein (p.Pro198Ser). The proline residue is moderately conserved and there is a moderate physicochemical difference between proline and serine.

NM_005148.4(UNC119):c.592C>T (p.Pro198Ser)

Gene: UNC119 (unc-119 lipid binding chaperone; minus strand). Cytogenetic location: 17q11.2.
Variant type: single nucleotide variant.
Coding change: c.592C>T on transcript NM_005148.4 (MANE Select); coding-DNA position 592, C replaced by T.
Protein change: p.Pro198Ser; replaces proline 198 with serine.
Molecular consequence: missense variant.
Genome position (GRCh38, 1-based): chr17:28,547,695, G>A on the plus strand (C>T on the coding strand, the complement: UNC119 is on the minus strand). VCF-style: chr17-28547695-G-A. GRCh37 (hg19) VCF-style: chr17-26874713-G-A.
Other names: c.307C>T, p.Pro103Ser (NM_001330166.2); c.592C>T, p.Pro198Ser (NM_054035.2); short protein forms P198S, P103S.
Identifiers: ClinVar variation 1505856 (VCV001505856.6), dbSNP rs748275791, ClinGen allele CA398330576.